The following is an entry in ClinVar:

NM_002661.5(PLCG2):c.1406A>G (p.Glu469Gly)

Gene: PLCG2 (phospholipase C gamma 2; plus strand). Cytogenetic location: 16q23.3.
Variant type: single nucleotide variant.
Coding change: c.1406A>G on transcript NM_002661.5 (MANE Select); coding-DNA position 1406, A replaced by G.
Protein change: p.Glu469Gly; replaces glutamic acid 469 with glycine.
Molecular consequence: missense variant.
Genome position (GRCh38, 1-based): chr16:81,905,446, A>G. VCF-style: chr16-81905446-A-G. GRCh37 (hg19) VCF-style: chr16-81939051-A-G.
Other names: short protein forms E469G.
Identifiers: ClinVar variation 640699 (VCV000640699.9), dbSNP rs1597121726, ClinGen allele CA396899668.
Genomic context (GRCh38, chr16:81,905,446, plus strand): 5'-ATATGTTTTCCCCTCAGCATAAGAAGCTGGGCCCCCGAGGCGATGTGGATGTCAACATGG[A>G]GGACAAGAAGGACGAACACAAGCAACAGGGGGAGCTGTACATGTGGGATTCCATTGACCA-3'
Protein context (NP_002652.2, residues 459-479): GPRGDVDVNM[Glu469Gly]DKKDEHKQQG

ClinVar aggregate classification (germline): Uncertain significance. Review status: criteria provided, multiple submitters, no conflicts (2 of 4 stars). 2 submissions from 2 submitters: Uncertain significance (2). Last evaluated 2025-11-18.

Conditions:
Familial cold autoinflammatory syndrome 3 (FCAS3). Also called: ANTIBODY DEFICIENCY AND IMMUNE DYSREGULATION, PLCG2-ASSOCIATED; FAMILIAL ATYPICAL COLD URTICARIA. Identifiers: Orphanet 300359, MedGen C3280914, MONDO:0013766, OMIM 614468.
PLCG2-related disorder. Also called: PLCG2-related condition.

Allele frequency attached by ClinVar (database versions not stated): gnomAD exomes 0.00001.
gnomAD v4.1: 3 of 1,614,186 alleles (0.00019%); highest among the groups gnomAD compares: Non-Finnish European, 0.00025%; no homozygotes.

Submissions (2):

PreventionGenetics, part of Exact Sciences
Classification: Uncertain significance for PLCG2-related condition. Last evaluated: 2025-11-18. Review status: criteria provided, single submitter. Criteria: ACMG Guidelines, 2015. Collection method: clinical testing. Allele origin: germline.
Comment: The PLCG2 c.1406A>G variant is predicted to result in the amino acid substitution p.Glu469Gly. To our knowledge, this variant has not been reported in the literature or in a large population database (gnomAD), indicating this variant is rare. At this time, the clinical significance of this variant is uncertain due to the absence of conclusive functional and genetic evidence.

Labcorp Genetics (formerly Invitae), Labcorp
Classification: Uncertain significance for Familial cold autoinflammatory syndrome 3. Last evaluated: 2024-06-25. Review status: criteria provided, single submitter. Criteria: Invitae Variant Classification Sherloc (09022015). Collection method: clinical testing. Allele origin: germline.
Comment: This sequence change replaces glutamic acid, which is acidic and polar, with glycine, which is neutral and non-polar, at codon 469 of the PLCG2 protein (p.Glu469Gly). This variant is not present in population databases (gnomAD no frequency). This variant has not been reported in the literature in individuals affected with PLCG2-related conditions. ClinVar contains an entry for this variant (Variation ID: 640699). An algorithm developed to predict the effect of missense changes on protein structure and function (PolyPhen-2) suggests that this variant is likely to be tolerated. In summary, the available evidence is currently insufficient to determine the role of this variant in disease. Therefore, it has been classified as a Variant of Uncertain Significance.